The following is an entry in ClinVar:

ClinVar aggregate classification (germline): Uncertain significance (1 of 4 stars; one submission).

gnomAD v4.1: 4 of 1,613,954 alleles (0.00025%); highest among the groups gnomAD compares: Non-Finnish European, 0.00034%; no homozygotes.

Submission:

GeneDx
Classification: Uncertain significance. Last evaluated: 2024-05-04. Review status: criteria provided, single submitter. Criteria: GeneDx Variant Classification Process June 2021. Collection method: clinical testing. Allele origin: germline. Affected: yes.
Comment: Not observed at significant frequency in large population cohorts (gnomAD); In silico analysis indicates that this missense variant does not alter protein structure/function; Has not been previously published as pathogenic or benign to our knowledge

NM_018139.3(DNAAF2):c.1700T>G (p.Val567Gly)

Gene: DNAAF2 (dynein axonemal assembly factor 2; minus strand). Cytogenetic location: 14q21.3.
Variant type: single nucleotide variant.
Coding change: c.1700T>G on transcript NM_018139.3 (MANE Select); coding-DNA position 1700, T replaced by G.
Protein change: p.Val567Gly; replaces valine 567 with glycine.
Molecular consequence: missense variant. On other transcripts: intron variant (1).
Genome position (GRCh38, 1-based): chr14:49,633,450, A>C on the plus strand (T>G on the coding strand, the complement: DNAAF2 is on the minus strand). VCF-style: chr14-49633450-A-C. GRCh37 (hg19) VCF-style: chr14-50100168-A-C.
Other names: c.1700T>G, p.Val567Gly (NM_001083908.2); c.-205+33T>G (NM_001378453.1); short protein forms V567G.
Identifiers: ClinVar variation 3376081 (VCV003376081.1).
Genomic context (GRCh38, chr14:49,633,450, plus strand): 5'-ATCACAGGTTCTGTGGTACTCAATTTATTCTCTGGAGCAAATTGCAAAAAGAAGGAATAA[A>C]CTAAGTCTTGTGCGGAGAAGCGTAATTTGTACCAGAGGGGATTCAAATCTCCTTGAAGAC-3'
Protein context (NP_060609.2, residues 557-577): YKLRFSAQDL[Val567Gly]YSFFLQFAPE